The following is an entry in ClinVar:

ClinVar aggregate classification (germline): Uncertain significance. Review status: criteria provided, multiple submitters, no conflicts (2 of 4 stars). 2 submissions from 2 submitters: Uncertain significance (2). Last evaluated 2025-12-03.

Conditions:
Pancreatic adenocarcinoma. Identifiers: MedGen C0281361, MONDO:0006047, HP:0006725.

Allele frequency attached by ClinVar (database versions not stated): gnomAD 0.00001; gnomAD exomes 0.00002 and 0.00005; ExAC 0.00003; TOPMed 0.00004.
gnomAD v4.1: 22 of 1,611,480 alleles (0.0014%); highest among the groups gnomAD compares: East Asian, 0.047%; no homozygotes.

Submissions (2):

Labcorp Genetics (formerly Invitae), Labcorp
Classification: Uncertain significance for Pancreatic adenocarcinoma. Last evaluated: 2025-12-03. Review status: criteria provided, single submitter. Criteria: Invitae Variant Classification Sherloc (09022015). Collection method: clinical testing. Allele origin: germline.
Comment: This sequence change replaces serine, which is neutral and polar, with threonine, which is neutral and polar, at codon 252 of the PALLD protein (p.Ser252Thr). This variant is present in population databases (rs763802548, gnomAD 0.08%), and has an allele count higher than expected for a pathogenic variant. This variant has not been reported in the literature in individuals affected with PALLD-related conditions. ClinVar contains an entry for this variant (Variation ID: 542930). An algorithm developed to predict the effect of missense changes on protein structure and function (PolyPhen-2) suggests that this variant is likely to be tolerated. In summary, the available evidence is currently insufficient to determine the role of this variant in disease. Therefore, it has been classified as a Variant of Uncertain Significance.

Ambry Genetics
Classification: Uncertain significance. Last evaluated: 2025-03-11. Review status: criteria provided, single submitter. Criteria: Ambry Variant Classification Scheme 2023. Collection method: clinical testing. Allele origin: germline.
Comment: The p.S252T variant (also known as c.755G>C), located in coding exon 4 of the PALLD gene, results from a G to C substitution at nucleotide position 755. The serine at codon 252 is replaced by threonine, an amino acid with similar properties. This amino acid position is highly conserved in available vertebrate species. In addition, the in silico prediction for this alteration is inconclusive. The evidence for this gene-disease relationship is limited; therefore, the clinical significance of this alteration is unclear.

NM_001166108.2(PALLD):c.2267G>C (p.Ser756Thr)

Genes: CBR4 (carbonyl reductase 4; minus strand), PALLD (palladin, cytoskeletal associated protein; plus strand). Cytogenetic location: 4q32.3.
Variant type: single nucleotide variant.
Coding change: c.2267G>C on transcript NM_001166108.2 (MANE Select); coding-DNA position 2267, G replaced by C.
Protein change: p.Ser756Thr; replaces serine 756 with threonine.
Molecular consequence: missense variant.
Genome position (GRCh38, 1-based): chr4:168,898,509, G>C. VCF-style: chr4-168898509-G-C. GRCh37 (hg19) VCF-style: chr4-169819660-G-C.
Other names: c.1070G>C, p.Ser357Thr (NM_001166109.2); c.755G>C, p.Ser252Thr (NM_001166110.2); c.95G>C, p.Ser32Thr (NM_001367567.1, NM_001367569.1); c.146G>C, p.Ser49Thr (NM_001367568.1, NM_001367570.1); c.2216G>C, p.Ser739Thr (NM_016081.4); short protein forms S252T, S739T, S357T, S32T, S756T, S49T.
Identifiers: ClinVar variation 542930 (VCV000542930.11), dbSNP rs763802548, ClinGen allele CA3135864.